The following is an entry in ClinVar:

NM_000135.4(FANCA):c.3446_3449dup (p.Met1151fs)

Gene: FANCA (FA complementation group A; minus strand). Cytogenetic location: 16q24.3.
Variant type: Microsatellite.
Coding change: c.3446_3449dup on transcript NM_000135.4 (MANE Select); coding-DNA positions 3446 to 3449, 4 bases duplicated (CCCT; older notation c.3446_3449dupCCCT).
Protein change: p.Met1151fs; shifts the reading frame from methionine 1151.
Molecular consequence: frameshift variant.
Genome position (GRCh38, 1-based): chr16:89,746,648-89,746,651, AGGG duplicated on the plus strand (CCCT on the coding strand, the reverse complement: FANCA is on the minus strand); duplicating any 4 consecutive bases within chr16:89,746,648-89,746,655 gives the same sequence; the c. name uses the placement nearest the transcript's 3' end. VCF-style (leftmost placement, unchanged base first): chr16-89746647-C-CAGGG. GRCh37 (hg19) VCF-style: chr16-89813055-C-CAGGG.
Other names: c.3446_3449dup, p.Met1151fs (NM_001286167.3); c.3446_3449dupCCCT (NM_000135.3); short protein forms M1151fs.
Identifiers: ClinVar variation 3241544 (VCV003241544.2), dbSNP rs2544119560.

ClinVar aggregate classification (germline): Pathogenic. Review status: criteria provided, multiple submitters, no conflicts (2 of 4 stars). 2 submissions from 2 submitters: Pathogenic (2). Last evaluated 2024-12-10.

Conditions:
Fanconi anemia (FA). Also called: Fanconi's anemia. Identifiers: Orphanet 84, MedGen C0015625, MeSH D005199, MONDO:0019391.
Fanconi anemia complementation group A (FANCA). Also called: Fanconi anemia, group A; FANCA-Related Fanconi Anemia. Identifiers: Orphanet 84, MedGen C3469521, MONDO:0009215, OMIM 227650.

Submissions (2):

Natera, Inc.
Classification: Pathogenic for Fanconi anemia. Last evaluated: 2024-12-10. Review status: criteria provided, single submitter. Criteria: Natera Variant Classification Schema (03/2026). Collection method: clinical testing. Allele origin: germline.
Comment: The c.3446_3449dupCCCT variant in FANCA is a frameshift variant predicted to shift the reading frame beginning at codon 1151 and leads to a stop codon 65 codons downstream. This variant is expected to result in nonsense mediated decay, truncation, or a dysfunctional protein product. This variant is rare in the general population with a frequency below the threshold expected for the associated phenotype(s). This variant has been observed in one or more individuals affected with the associated recessive disease, as either homozygous or compound heterozygous with a second variant (PMID: 29400309). Given the available evidence, this variant is classified as Pathogenic.

Baylor Genetics
Classification: Pathogenic for Fanconi anemia complementation group A. Last evaluated: 2024-01-06. Review status: criteria provided, single submitter. Criteria: ACMG Guidelines, 2015. Collection method: clinical testing. Allele origin: unknown.

Literature cited by the submitters: PubMed 29400309 (cited by Natera, Inc.).